The following is an entry in ClinVar:

ClinVar aggregate classification (germline): Uncertain significance. Review status: criteria provided, multiple submitters, no conflicts (2 of 4 stars). 5 submissions from 5 submitters: Uncertain significance (4). 1 of the submissions does not count toward it. Last evaluated 2025-03-06.

Conditions:
Retinitis pigmentosa 71 (RP71). Identifiers: Orphanet 791, MedGen C4225342, MONDO:0014618, OMIM 616394.
Bardet-Biedl syndrome 20. Identifiers: MedGen C4310707, MONDO:0023670, OMIM 619471, MONDO:0014926.
Short-rib thoracic dysplasia 10 with or without polydactyly (SRTD10). Identifiers: Orphanet 474, MedGen C3810175, MONDO:0014284, OMIM 615630.
IFT172-related disorder. Also called: IFT172-related disorders; IFT172-related condition.
Inborn genetic diseases. Identifiers: MedGen C0950123, MeSH D030342.

gnomAD v4.1: 34 of 1,613,420 alleles (0.0021%); highest among the groups gnomAD compares: Admixed American, 0.005%; no homozygotes.

Submissions (5):

Ambry Genetics
Classification: Uncertain significance for Inborn genetic diseases. Last evaluated: 2025-03-06. Review status: criteria provided, single submitter. Criteria: Ambry Variant Classification Scheme 2023. Collection method: clinical testing. Allele origin: germline.

Fulgent Genetics
Classification: Uncertain significance for Short-rib thoracic dysplasia 10 with or without polydactyly; Retinitis pigmentosa 71; Bardet-Biedl syndrome 20. Last evaluated: 2024-05-30. Review status: criteria provided, single submitter. Criteria: ACMG Guidelines, 2015. Collection method: clinical testing. Allele origin: germline.

Labcorp Genetics (formerly Invitae), Labcorp
Classification: Uncertain significance for Retinitis pigmentosa 71; Short-rib thoracic dysplasia 10 with or without polydactyly. Last evaluated: 2022-07-18. Review status: criteria provided, single submitter. Criteria: Invitae Variant Classification Sherloc (09022015). Collection method: clinical testing. Allele origin: germline.
Comment: This sequence change replaces alanine, which is neutral and non-polar, with valine, which is neutral and non-polar, at codon 644 of the IFT172 protein (p.Ala644Val). This variant is present in population databases (rs371919234, gnomAD 0.003%). This variant has not been reported in the literature in individuals affected with IFT172-related conditions. ClinVar contains an entry for this variant (Variation ID: 1422039). Algorithms developed to predict the effect of missense changes on protein structure and function are either unavailable or do not agree on the potential impact of this missense change (SIFT: "Deleterious"; PolyPhen-2: "Probably Damaging"; Align-GVGD: "Class C0"). In summary, the available evidence is currently insufficient to determine the role of this variant in disease. Therefore, it has been classified as a Variant of Uncertain Significance.

Blueprint Genetics
Classification: Uncertain significance. Last evaluated: 2021-08-25. Review status: criteria provided, single submitter. Criteria: ACMG Guidelines, 2015. Collection method: clinical testing. Allele origin: germline.

PreventionGenetics, part of Exact Sciences
Classification: Uncertain significance for IFT172-related condition. Last evaluated: 2024-01-30. Review status: no assertion criteria provided. Collection method: clinical testing. Allele origin: germline. Not counted in ClinVar's aggregate classification.
Comment: The IFT172 c.1931C>T variant is predicted to result in the amino acid substitution p.Ala644Val. To our knowledge, this variant has not been reported in the literature. This variant is reported in 0.0029% of alleles in individuals of Latino descent in gnomAD. At this time, the clinical significance of this variant is uncertain due to the absence of conclusive functional and genetic evidence.

NM_015662.3(IFT172):c.1931C>T (p.Ala644Val)

Gene: IFT172 (intraflagellar transport 172; minus strand). Cytogenetic location: 2p23.3.
Variant type: single nucleotide variant.
Coding change: c.1931C>T on transcript NM_015662.3 (MANE Select); coding-DNA position 1931, C replaced by T.
Protein change: p.Ala644Val; replaces alanine 644 with valine.
Molecular consequence: missense variant.
Genome position (GRCh38, 1-based): chr2:27,465,417, G>A on the plus strand (C>T on the coding strand, the complement: IFT172 is on the minus strand). VCF-style: chr2-27465417-G-A. GRCh37 (hg19) VCF-style: chr2-27688284-G-A.
Other names: c.1931C>T (NM_015662.2, NM_015662.1); short protein forms A644V.
Identifiers: ClinVar variation 1422039 (VCV001422039.7), dbSNP rs371919234, ClinGen allele CA1580491.